The following is an entry in ClinVar:

NM_001458.5(FLNC):c.600dup (p.Gly201fs)

Gene: FLNC (filamin C; plus strand). Cytogenetic location: 7q32.1.
Variant type: Duplication.
Coding change: c.600dup on transcript NM_001458.5 (MANE Select); coding-DNA position 600, one base duplicated (C; older notation c.600dupC).
Protein change: p.Gly201fs; shifts the reading frame from glycine 201.
Molecular consequence: frameshift variant.
Genome position (GRCh38, 1-based): chr7:128,835,573, C duplicated; the last of 5 consecutive C bases (chr7:128,835,569-128,835,573); duplicating any one gives the same sequence. VCF-style (leftmost placement, unchanged base first): chr7-128835568-G-GC. GRCh37 (hg19) VCF-style: chr7-128475622-G-GC.
Other names: c.600dup, p.Gly201fs (NM_001127487.2); c.600dupC (NM_001458.4); short protein forms G201fs.
Identifiers: ClinVar variation 1751064 (VCV001751064.2), dbSNP rs2536614894, ClinGen allele CA2580076541.
Genomic context (GRCh38, chr7:128,835,568, plus strand): 5'-ACCAACTTCAACCGTGACTGGCAGGACGGCAAAGCTCTGGGCGCCCTGGTGGACAACTGC[G>GC]CCCCCGGTGAGTGGGCCAGTGAGCACAGCATGGAGCCCTTAGCTCCCAAAGACAGAGGGG-3'

ClinVar aggregate classification (germline): Pathogenic (1 of 4 stars; one submission).

Conditions:
Cardiovascular phenotype. Identifiers: MedGen CN230736.

Submission:

Ambry Genetics
Classification: Pathogenic for Cardiovascular phenotype. Last evaluated: 2021-09-11. Review status: criteria provided, single submitter. Criteria: Ambry Variant Classification Scheme 2023. Collection method: clinical testing. Allele origin: germline.
Comment: The c.600dupC pathogenic mutation, located in coding exon 2 of the FLNC gene, results from a duplication of C at nucleotide position 600, causing a translational frameshift with a predicted alternate stop codon (p.G201Rfs*38). This variant is considered to be rare based on population cohorts in the Genome Aggregation Database (gnomAD). This alteration is expected to result in loss of function by premature protein truncation or nonsense-mediated mRNA decay. As such, this alteration is interpreted as a disease-causing mutation.